The following is an entry in ClinVar:

ClinVar aggregate classification (germline): Pathogenic/Likely pathogenic. Review status: criteria provided, multiple submitters, no conflicts (2 of 4 stars). 14 submissions from 14 submitters: Pathogenic (12); Likely pathogenic (1). 1 of the submissions does not count toward it. Last evaluated 2025-08-04.

Conditions:
ATM-related disorder. Also called: ATM-related disorders; ATM-related condition.
Hereditary cancer-predisposing syndrome. Also called: Neoplastic Syndromes, Hereditary; Hereditary Cancer Syndrome; Tumor predisposition; Hereditary neoplastic syndrome. Identifiers: Orphanet 140162, MedGen C0027672, MeSH D009386, MONDO:0015356.
Familial cancer of breast. Also called: Hereditary breast cancer; hereditary breast carcinoma; BREAST CANCER, FAMILIAL. Identifiers: Orphanet 227535, MedGen C0346153, MONDO:0016419, OMIM 114480. Disease mechanism: loss of function.
Ataxia-telangiectasia syndrome (AT). Also called: Cerebello-oculocutaneous telangiectasia; Immunodeficiency with ataxia telangiectasia; LOUIS-BAR SYNDROME; Ataxia-telangiectasia, complementation group D; AT, COMPLEMENTATION GROUP C; ATAXIA-TELANGIECTASIA, COMPLEMENTATION GROUP A. Identifiers: Orphanet 100, MedGen C0004135, MONDO:0008840, OMIM 208900.

Submissions (14):

Labcorp Genetics (formerly Invitae), Labcorp
Classification: Pathogenic for Ataxia-telangiectasia syndrome. Last evaluated: 2025-08-04. Review status: criteria provided, single submitter. Criteria: Invitae Variant Classification Sherloc (09022015). Collection method: clinical testing. Allele origin: germline.
Comment: This sequence change creates a premature translational stop signal (p.Gly1458Glufs*15) in the ATM gene. It is expected to result in an absent or disrupted protein product. Loss-of-function variants in ATM are known to be pathogenic (PMID: 23807571, 25614872). This variant is present in population databases (rs587781653, gnomAD 0.0009%). This premature translational stop signal has been observed in individual(s) with prostate cancer and ataxia-telangiectasia (PMID: 10330348, 22649200, 27433846). ClinVar contains an entry for this variant (Variation ID: 141315). For these reasons, this variant has been classified as Pathogenic.

Natera, Inc.
Classification: Pathogenic for Ataxia-telangiectasia. Last evaluated: 2025-07-24. Review status: criteria provided, single submitter. Criteria: Natera Variant Classification Schema (03/2026). Collection method: clinical testing. Allele origin: germline.
Comment: The c.4373delG variant in ATM is a frameshift variant predicted to shift the reading frame beginning at codon 1458 and leads to a stop codon 15 codons downstream. This variant is expected to result in nonsense mediated decay, truncation, or a dysfunctional protein product. This variant is rare in the general population with a frequency below the threshold expected for the associated phenotype(s). This variant has been observed in one or more individuals affected with the associated recessive disease, as either homozygous or compound heterozygous with a second variant (PMID: 18321536). Given the available evidence, this variant is classified as Pathogenic.

Molecular Pathology, Peter Maccallum Cancer Centre
Classification: Pathogenic for Ataxia-telangiectasia syndrome. Last evaluated: 2024-12-31. Review status: criteria provided, single submitter. Criteria: ACMG Guidelines, 2015. Collection method: clinical testing. Allele origin: germline. Inheritance: Autosomal recessive inheritance.

Ambry Genetics
Classification: Pathogenic for Hereditary cancer-predisposing syndrome. Last evaluated: 2024-09-13. Review status: criteria provided, single submitter. Criteria: Ambry Variant Classification Scheme 2023. Collection method: clinical testing. Allele origin: germline.
Comment: The c.4373delG pathogenic mutation, located in coding exon 28 of the ATM gene, results from a deletion of one nucleotide at nucleotide position 4373, causing a translational frameshift with a predicted alternate stop codon (p.G1458Efs*15). This mutation has been reported in several patients with classic ataxia-telangiectasia (Teraoka SN et al. Am. J. Hum. Genet. 1999; 64:1617-31, Li A et al. Am J Med Genet. 2000 May 29;92(3):170-7; Du L et al. Mutat Res, 2008 Apr;640:139-44; Carney EF et al. J Immunol, 2012 Jul;189:261-8). This mutation was also detected in men diagnosed with prostate cancer (Pritchard CC et al. N. Engl. J. Med., 2016 Aug;375:443-53; Wu Y et al. Eur Urol Oncol, 2020 04;3:224-230). This variant is considered to be rare based on population cohorts in the Genome Aggregation Database (gnomAD). In addition to the clinical data presented in the literature, this alteration is expected to result in loss of function by premature protein truncation or nonsense-mediated mRNA decay. As such, this alteration is interpreted as a disease-causing mutation.

Women's Health and Genetics/Laboratory Corporation of America, LabCorp
Classification: Pathogenic for Ataxia-telangiectasia syndrome. Last evaluated: 2024-09-05. Review status: criteria provided, single submitter. Criteria: LabCorp Variant Classification Summary - May 2015. Collection method: clinical testing. Allele origin: germline.
Comment: Variant summary: ATM c.4373delG (p.Gly1458GlufsX15) results in a premature termination codon, predicted to cause a truncation of the encoded protein or absence of the protein due to nonsense mediated decay, which are commonly known mechanisms for disease. The variant allele was found at a frequency of 4e-06 in 251220 control chromosomes. c.4373delG has been reported in the literature in individual(s) affected with Ataxia-Telangiectasia (e.g. Carney_2012). The following publication has been ascertained in the context of this evaluation (PMID: 22649200). ClinVar contains an entry for this variant (Variation ID: 141315). Based on the evidence outlined above, the variant was classified as pathogenic.

Myriad Genetics, Inc.
Classification: Pathogenic for Familial cancer of breast. Last evaluated: 2024-01-24. Review status: criteria provided, single submitter. Criteria: Myriad Autosomal Dominant, Autosomal Recessive and X-Linked Classification Criteria (2023). Collection method: clinical testing. Allele origin: unknown.
Comment: This variant is considered pathogenic. This variant creates a frameshift predicted to result in premature protein truncation.

Molecular Genetics, Royal Melbourne Hospital
Classification: Pathogenic for Ataxia-telangiectasia syndrome. Last evaluated: 2023-07-07. Review status: criteria provided, single submitter. Criteria: ACMG Guidelines, 2015. Collection method: clinical testing. Allele origin: germline. Inheritance: Autosomal recessive inheritance. Affected: no.
Comment: This sequence change in ATM is a frameshift variant predicted to cause a premature stop codon, p.(Gly1458Glufs*15), in biologically relevant exon 29/63 leading to nonsense-mediated decay in a gene in which loss-of-function is an established disease mechanism. This variant is present in a single individual from the European (non-Finnish) population in the population database gnomAD v2.1 (1/113,616 alleles). This variant has been reported in one individual with prostate cancer and a patient referred for cancer panel testing (PMID: 26681312, 32694154). This variant has been detected compound heterozygous with a second variant in at least three individuals with a clinical diagnosis of ataxia telangiectasia (PMID: 10330348, 18321536, 22649200). Based on the classification scheme RMH Modified ACMG/AMP Guidelines v1.6.1, this variant is classified as PATHOGENIC. Following criteria are met: PVS1, PM3_Strong, PM2_Supporting.

Baylor Genetics
Classification: Pathogenic for Familial cancer of breast. Last evaluated: 2021-06-30. Review status: criteria provided, single submitter. Criteria: ACMG Guidelines, 2015. Collection method: clinical testing. Allele origin: unknown.

HudsonAlpha Institute for Biotechnology
Classification: Pathogenic for Ataxia-telangiectasia syndrome. Last evaluated: 2020-05-20. Review status: criteria provided, single submitter. Criteria: ACMG Guidelines, 2015. Collection method: research. Allele origin: maternal. Affected: yes. Observed: 1 variant allele. Study: HudsonAlpha-AGHI-WGS.
Comment: ACMG codes:PVS1, PM2, PP5

Color Diagnostics, LLC DBA Color Health
Classification: Pathogenic for Hereditary cancer-predisposing syndrome. Last evaluated: 2020-05-14. Review status: criteria provided, single submitter. Criteria: ACMG Guidelines, 2015. Collection method: clinical testing. Allele origin: germline.
Comment: This variant deletes 1 nucleotide in exon 29 of the ATM gene, creating a frameshift and premature translation stop signal. This variant is expected to result in an absent or non-functional protein product. To our knowledge, functional studies have not been reported for this variant. This variant has been observed in multiple individuals affected with ataxia telangiectasia including compound heterozygous and homozygous carriers (PMID: 10330348, 10817650, 22649200). This variant has been identified in 1/251220 chromosomes in the general population by the Genome Aggregation Database (gnomAD). Loss of ATM function is a known mechanism of disease. Based on the available evidence, this variant is classified as Pathogenic.

GeneDx
Classification: Pathogenic. Last evaluated: 2019-07-03. Review status: criteria provided, single submitter. Criteria: GeneDx Variant Classification Process June 2021. Collection method: clinical testing. Allele origin: germline. Affected: yes.
Comment: Frameshift variant predicted to result in protein truncation or nonsense mediated decay in a gene for which loss-of-function is a known mechanism of disease; Not observed in large population cohorts (Lek 2016); This variant is associated with the following publications: (PMID: 26681312, 10330348, 10817650, 22649200, 27433846, 31447099, 31948886)

Blueprint Genetics
Classification: Likely pathogenic for ATM-related disorders. Last evaluated: 2018-11-16. Review status: criteria provided, single submitter. Criteria: ACMG Guidelines, 2015. Collection method: clinical testing. Allele origin: germline. Affected: yes. Observed: 1 variant allele.

Human Genome Sequencing Center Clinical Lab, Baylor College of Medicine
Classification: Pathogenic for Familial cancer of breast. Last evaluated: 2017-10-30. Review status: criteria provided, single submitter. Criteria: ACMG Guidelines, 2015. Collection method: clinical testing. Allele origin: germline.
Comment: The c.4373delG frame shift variant is predicted to yield loss of function transcripts/proteins of ATM gene, which is one of mechanisms causing Ataxia-telangiectasia. This variant is extremely rare in general population (1 in 246014 by gnomad) and observed in multiple ataxia-telangiectasia patients (PMID:10330348, 22649200). It has been also observed in other clinical labs and reported as a pathogenic. Based on the above evidences, we interpret this variant as pathogenic.

Department of Pathology and Laboratory Medicine, Sinai Health System
Classification: Pathogenic. Review status: no assertion criteria provided. Collection method: clinical testing. Allele origin: unknown. Affected: yes. Observed: 1 variant allele. Study: The Canadian Open Genetics Repository (COGR). Not counted in ClinVar's aggregate classification.
Comment: The ATM p.Gly1458Glufs*15 variant was identified in 5 of 7742 proband chromosomes (frequency: 0.0005) from individuals or families with Ataxia-telangiectasia, prostate cancer, and pancreatic cancer (Carney 2012, Li 2000, Pritchard 2016, Teraoka 1999, Hu 2018). The variant was also identified in dbSNP (ID: rs587781653) as â€šÃ„ÃºWith Pathogenic alleleâ€šÃ„Ã¹, ClinVar (as pathogenic by Ambry Genetics, GeneDx, and Invitae), Clinvitae (3x), and the ATM-LOVD (2x). The variant was not identified in Cosmic or MutDB databases. The variant was identified in control databases in 1 of 246014 chromosomes at a frequency of 0.000004 (Genome Aggregation Database Feb 27, 2017). The variant was identified in the European (Non-Finnish) population in 1 of 111568 chromosomes (freq: 0.000009), but not in the African, Ashkenazi Jewish, East Asian, Finnish, Latino, Other, and South Asian populations. The p.Gly1458Glufs*15 variant is predicted to cause a frameshift, which alters the protein's amino acid sequence beginning at codon 1458 and leads to a premature stop codon at position 1472. This alteration is then predicted to result in a truncated or absent protein and loss of function. Loss of function variants of the ATM gene are an established mechanism of disease in ATM-associated Cancer and is the type of variant expected to cause the disorder. In summary, based on the above information this variant meets our laboratoryâ€šÃ„Ã´s criteria to be classified as pathogenic.

Literature cited by the submitters: PubMed 23807571 (cited by Labcorp Genetics (formerly Invitae), Labcorp); PubMed 25614872 (cited by Labcorp Genetics (formerly Invitae), Labcorp); PubMed 10330348 (cited by 3 submitters); PubMed 22649200 (cited by 4 submitters); PubMed 27433846 (cited by Labcorp Genetics (formerly Invitae), Labcorp and Ambry Genetics); PubMed 18321536 (cited by 3 submitters); PubMed 10817650 (cited by Ambry Genetics); PubMed 31948886 (cited by Ambry Genetics); PubMed 26681312 (cited by Molecular Genetics, Royal Melbourne Hospital); PubMed 32694154 (cited by Molecular Genetics, Royal Melbourne Hospital).

NM_000051.4(ATM):c.4373del (p.Gly1458fs)

Gene: ATM (ATM serine/threonine kinase; plus strand). Cytogenetic location: 11q22.3.
Variant type: Deletion.
Coding change: c.4373del on transcript NM_000051.4 (MANE Select); coding-DNA position 4373, one base deleted (G; older notation c.4373delG).
Protein change: p.Gly1458fs; shifts the reading frame from glycine 1458.
Molecular consequence: frameshift variant.
Genome position (GRCh38, 1-based): chr11:108,289,738, G deleted; the last of 2 consecutive G bases (chr11:108,289,737-108,289,738); deleting either gives the same sequence. VCF-style (leftmost placement, unchanged base first): chr11-108289736-AG-A. GRCh37 (hg19) VCF-style: chr11-108160463-AG-A.
Other names: c.4373delG (NM_000051.4, NM_000051.3); c.4373del, p.Gly1458fs (NM_001351834.2); short protein forms G1458fs.
Identifiers: ClinVar variation 141315 (VCV000141315.35), dbSNP rs587781653, ClinGen allele CA294117.
Genomic context (GRCh38, chr11:108,289,736, plus strand): 5'-AATTCTTAAAATATATCACCTGTTTGTTAGTTTATTACTGAAAGATATAAAAAGTGGCTT[AG>A]GAGGAGCTTGGGCCTTTGTTCTTCGAGACGTTATTTATACTTTGATTCACTATATCAACC-3'